The following is an entry in ClinVar:

NM_000260.4(MYO7A):c.721C>T (p.Arg241Cys)

Gene: MYO7A (myosin VIIA; plus strand). Cytogenetic location: 11q13.5.
Variant type: single nucleotide variant.
Coding change: c.721C>T on transcript NM_000260.4 (MANE Select); coding-DNA position 721, C replaced by T.
Protein change: p.Arg241Cys; replaces arginine 241 with cysteine.
Molecular consequence: missense variant.
Genome position (GRCh38, 1-based): chr11:77,156,990, C>T. VCF-style: chr11-77156990-C-T. GRCh37 (hg19) VCF-style: chr11-76868036-C-T.
Other names: c.721C>T, p.Arg241Cys (NM_001127180.2); c.688C>T, p.Arg230Cys (NM_001369365.1); short protein forms R241C, R230C.
Identifiers: ClinVar variation 438180 (VCV000438180.21), dbSNP rs782166819, ClinGen allele CA6197223.

ClinVar aggregate classification (germline): Pathogenic. Review status: criteria provided, multiple submitters, no conflicts (2 of 4 stars). 11 submissions from 11 submitters: Pathogenic (8). 3 of the submissions do not count toward it. Last evaluated 2026-04-21.

Conditions:
Usher syndrome. Also called: Usher Syndromes; Usher's syndrome. Identifiers: Orphanet 886, MedGen CN469326, MeSH D052245, MONDO:0019501. Disease mechanism: loss of function.
MYO7A-related disorder. Also called: MYO7A-related disorders.
Usher syndrome type 1 (USH1). Also called: RETINITIS PIGMENTOSA AND CONGENITAL DEAFNESS. Identifiers: Orphanet 231169, Orphanet 886, MedGen C1568247, MONDO:0010168, OMIM 276900.
Autosomal recessive nonsyndromic hearing loss 2. Also called: DEAFNESS, AUTOSOMAL RECESSIVE 2; NEUROSENSORY NONSYNDROMIC RECESSIVE DEAFNESS 2. Identifiers: Orphanet 90636, MedGen C1838701, MONDO:0010807, OMIM 600060.
Autosomal dominant nonsyndromic hearing loss 11. Identifiers: Orphanet 90635, MedGen C1832475, MONDO:0011032, OMIM 601317.
Usher syndrome type 1B (USH1B). Also called: Usher syndrome type IB. Identifiers: MedGen C1848638, MONDO:0700087.

Allele frequency attached by ClinVar (database versions not stated): TOPMed 0.00001; ExAC 0.00003.

Submissions (11):

PreventionGenetics, part of Exact Sciences
Classification: Pathogenic for MYO7A-related condition. Last evaluated: 2026-04-21. Review status: criteria provided, single submitter. Criteria: ACMG Guidelines, 2015. Collection method: clinical testing. Allele origin: germline.
Comment: The MYO7A c.721C>T variant is predicted to result in the amino acid substitution p.Arg241Cys. This variant was reported, along with a second probable causative variant, in individuals with Usher syndrome or retinopathy (see, for example, Bharadwaj et al. 2000. PubMed ID: 10930322; Zhai et al. 2015. PubMed ID: 26309859; supplementary data, Chen et al. 2021. PubMed ID: 33608557; Bahena et al. 2021. PubMed ID: 34148116; supplementary data, Lin et al. 2024. PubMed ID: 38219857). This variant is reported in 0.0065% of alleles in individuals of African descent in gnomAD. This variant is interpreted as pathogenic.

Labcorp Genetics (formerly Invitae), Labcorp
Classification: Pathogenic. Last evaluated: 2025-11-18. Review status: criteria provided, single submitter. Criteria: Invitae Variant Classification Sherloc (09022015). Collection method: clinical testing. Allele origin: germline.
Comment: This sequence change replaces arginine, which is basic and polar, with cysteine, which is neutral and slightly polar, at codon 241 of the MYO7A protein (p.Arg241Cys). This variant is present in population databases (rs782166819, gnomAD 0.007%). This missense change has been observed in individuals with autosomal recessive Usher syndrome or non-syndromic deafness (PMID: 10930322, 23770805, 26309859, 26338283). It has also been observed to segregate with disease in related individuals. ClinVar contains an entry for this variant (Variation ID: 438180). Invitae Evidence Modeling of protein sequence and biophysical properties (such as structural, functional, and spatial information, amino acid conservation, physicochemical variation, residue mobility, and thermodynamic stability) indicates that this missense variant is expected to disrupt MYO7A protein function with a positive predictive value of 95%. For these reasons, this variant has been classified as Pathogenic.

Natera, Inc.
Classification: Pathogenic for Usher syndrome type 1B. Last evaluated: 2025-09-11. Review status: criteria provided, single submitter. Criteria: Natera Variant Classification Schema (03/2026). Collection method: clinical testing. Allele origin: germline.
Comment: The c.721C>T variant in MYO7A is a missense variant predicted to cause substitution of arginine to cysteine at amino acid 241. This variant is rare in the general population with a frequency below the threshold expected for the associated phenotype(s). This variant has been observed in one or more individuals affected with the associated recessive disease, as either homozygous or compound heterozygous with a second variant (PMID: 23770805, 25468891, 10930322). A different variant at the same position has been determined to be Pathogenic or Likely Pathogenic. Computational prediction algorithms indicate this variant is likely to affect gene or protein function. Given the available evidence, this variant is classified as Pathogenic.

Revvity Omics, Revvity
Classification: Pathogenic. Last evaluated: 2025-02-07. Review status: criteria provided, single submitter. Criteria: ACMG Guidelines, 2015. Collection method: clinical testing. Allele origin: germline.

Fulgent Genetics
Classification: Pathogenic for Usher syndrome type 1; Autosomal recessive nonsyndromic hearing loss 2; Autosomal dominant nonsyndromic hearing loss 11. Last evaluated: 2024-01-27. Review status: criteria provided, single submitter. Criteria: ACMG Guidelines, 2015. Collection method: clinical testing. Allele origin: germline.

Women's Health and Genetics/Laboratory Corporation of America, LabCorp
Classification: Pathogenic for Usher syndrome. Last evaluated: 2024-01-26. Review status: criteria provided, single submitter. Criteria: LabCorp Variant Classification Summary - May 2015. Collection method: clinical testing. Allele origin: germline.
Comment: Variant summary: MYO7A c.721C>T (p.Arg241Cys) results in a non-conservative amino acid change located in the Myosin head, motor domain (IPR001609) of the encoded protein sequence. Five of five in-silico tools predict a damaging effect of the variant on protein function. The variant allele was found at a frequency of 1.2e-05 in 248472 control chromosomes. c.721C>T has been reported in the literature in multiple individuals affected with Usher Syndrome, autosomal recessive, including as a homozygous genotype (e.g. Shahzad_2013). These data indicate that the variant is very likely to be associated with disease. To our knowledge, no experimental evidence demonstrating an impact on protein function has been reported. A different variant located at the same codon c.722G>A (p.Arg241His) has been classified as pathogenic by our lab supporting a critical relevance of this residue to MYO7A protein function. The following publication has been ascertained in the context of this evaluation (PMID: 23770805). ClinVar contains an entry for this variant (Variation ID: 438180). Based on the evidence outlined above, the variant was classified as pathogenic.

GeneDx
Classification: Pathogenic. Last evaluated: 2021-03-24. Review status: criteria provided, single submitter. Criteria: GeneDx Variant Classification Process June 2021. Collection method: clinical testing. Allele origin: germline. Affected: yes.
Comment: In silico analysis supports that this missense variant has a deleterious effect on protein structure/function; This variant is associated with the following publications: (PMID: 28041643, 32581362, 26338283, 23770805, 26309859, 10930322, 33111992, 29625443)

Blueprint Genetics
Classification: Pathogenic for MYO7A-related disorders. Last evaluated: 2019-10-07. Review status: criteria provided, single submitter. Criteria: ACMG Guidelines, 2015. Collection method: clinical testing. Allele origin: germline. Affected: yes. Observed: 1 variant allele.

Counsyl
Classification: Likely pathogenic for Usher syndrome type 1; Autosomal recessive nonsyndromic hearing loss 2. Last evaluated: 2017-04-12. Review status: no assertion criteria provided. Collection method: clinical testing. Allele origin: unknown. Not counted in ClinVar's aggregate classification.

NIHR Bioresource Rare Diseases, University of Cambridge
Classification: Likely pathogenic for Usher syndrome. Last evaluated: 2015-01-01. Review status: no assertion criteria provided. Collection method: research. Allele origin: unknown. Affected: yes. Observed: 1 variant allele. Not counted in ClinVar's aggregate classification.

Genomics England Pilot Project, Genomics England
Classification: Likely pathogenic for Autosomal recessive nonsyndromic hearing loss 2. Review status: no assertion criteria provided. Criteria: ACGS Guidelines, 2016. Collection method: clinical testing. Allele origin: germline. Affected: yes. Not counted in ClinVar's aggregate classification.

Literature cited by the submitters: PubMed 10930322 (cited by 4 submitters); PubMed 23770805 (cited by 4 submitters); PubMed 26309859 (cited by Labcorp Genetics (formerly Invitae), Labcorp and Counsyl); PubMed 26338283 (cited by Labcorp Genetics (formerly Invitae), Labcorp and Counsyl); PubMed 25468891 (cited by Natera, Inc.); PubMed 28041643 (cited by NIHR Bioresource Rare Diseases, University of Cambridge).